The following is an entry in ClinVar:

NM_000540.3(RYR1):c.8617-12A>G

Gene: RYR1 (ryanodine receptor 1; plus strand). Cytogenetic location: 19q13.2.
Variant type: single nucleotide variant.
Coding change: c.8617-12A>G on transcript NM_000540.3 (MANE Select); 12 bases into the intron before coding-DNA position 8617, A replaced by G.
Molecular consequence: intron variant.
Genome position (GRCh38, 1-based): chr19:38,506,459, A>G. VCF-style: chr19-38506459-A-G. GRCh37 (hg19) VCF-style: chr19-38997099-A-G.
Other names: c.8617-12A>G (NM_001042723.2).
Identifiers: ClinVar variation 1656011 (VCV001656011.9), dbSNP rs2145636487, ClinGen allele CA2573156312.

ClinVar aggregate classification (germline): Likely benign. Review status: criteria provided, multiple submitters, no conflicts (2 of 4 stars). 2 submissions from 2 submitters: Likely benign (2). Last evaluated 2023-10-06.

Conditions:
RYR1-related disorder. Also called: RYR1-related disorders; RYR1-related condition. Identifiers: MedGen CN239331.
Malignant hyperthermia, susceptibility to, 1 (MHS1). Also called: Anesthesia related hyperthermia; Malignant hyperpyrexia; Fulminating hyperpyrexia; Pharmacogenic myopathy; Malignant hyperthermia suceptibility 1; RYR1-Related Malignant Hyperthermia Susceptibility. Identifiers: Orphanet 423, MedGen C2930980, MONDO:0007783, OMIM 145600.

gnomAD v4.1: 1 of 1,614,054 alleles (0.000062%); highest among the groups gnomAD compares: Non-Finnish European, 0.000085%; no homozygotes.

Submissions (2):

All of Us Research Program, National Institutes of Health
Classification: Likely benign for Malignant hyperthermia, susceptibility to, 1. Last evaluated: 2023-10-06. Review status: criteria provided, single submitter. Criteria: ACMG Guidelines, 2015. Collection method: clinical testing. Allele origin: germline. Inheritance: Autosomal dominant inheritance. Observed: 1 variant allele, 1 heterozygote.
Comment: This study involves interpretation of variants in research participants for the purpose of population health screening. Participant phenotype was not available at the time of variant classification. Additional details can be found in publication PMID: 35346344, PMCID: PMC8962531

Labcorp Genetics (formerly Invitae), Labcorp
Classification: Likely benign for RYR1-related disorder. Last evaluated: 2021-08-27. Review status: criteria provided, single submitter. Criteria: Invitae Variant Classification Sherloc (09022015). Collection method: clinical testing. Allele origin: germline.